The following is an entry in ClinVar:

NM_005633.4(SOS1):c.818G>A (p.Gly273Asp)

Gene: SOS1 (SOS Ras/Rac guanine nucleotide exchange factor 1; minus strand). Cytogenetic location: 2p22.1.
Variant type: single nucleotide variant.
Coding change: c.818G>A on transcript NM_005633.4 (MANE Select); coding-DNA position 818, G replaced by A.
Protein change: p.Gly273Asp; replaces glycine 273 with aspartic acid.
Molecular consequence: missense variant.
Genome position (GRCh38, 1-based): chr2:39,051,190, C>T on the plus strand (G>A on the coding strand, the complement: SOS1 is on the minus strand). VCF-style: chr2-39051190-C-T. GRCh37 (hg19) VCF-style: chr2-39278331-C-T.
Other names: c.797G>A, p.Gly266Asp (NM_001382394.1); c.818G>A, p.Gly273Asp (NM_001382395.1); short protein forms G266D, G273D.
Identifiers: ClinVar variation 2058391 (VCV002058391.5), dbSNP rs2529154865, ClinGen allele CA346367642.

ClinVar aggregate classification (germline): Uncertain significance. Review status: criteria provided, multiple submitters, no conflicts (2 of 4 stars). 2 submissions from 2 submitters: Uncertain significance (2). Last evaluated 2023-07-13.

Conditions:
RASopathy. Also called: rasopathies; Noonan spectrum disorder. Identifiers: Orphanet 536391, MedGen C5555857, MONDO:0021060.
SOS1-related disorder. Also called: SOS1-related condition.

Allele frequency attached by ClinVar (database versions not stated): gnomAD exomes below 0.00001.
gnomAD v4.1: 2 of 1,613,646 alleles (0.00012%); highest among the groups gnomAD compares: Non-Finnish European, 0.00017%; no homozygotes.

Submissions (2):

PreventionGenetics, part of Exact Sciences
Classification: Uncertain significance for SOS1-related condition. Last evaluated: 2023-07-13. Review status: criteria provided, single submitter. Criteria: ACMG Guidelines, 2015. Collection method: clinical testing. Allele origin: germline.
Comment: The SOS1 c.818G>A variant is predicted to result in the amino acid substitution p.Gly273Asp. To our knowledge, this variant has not been reported in the literature or in a large population database, indicating this variant is rare. At this time, the clinical significance of this variant is uncertain due to the absence of conclusive functional and genetic evidence.

Labcorp Genetics (formerly Invitae), Labcorp
Classification: Uncertain significance for RASopathy. Last evaluated: 2022-02-11. Review status: criteria provided, single submitter. Criteria: Invitae Variant Classification Sherloc (09022015). Collection method: clinical testing. Allele origin: germline.
Comment: In summary, the available evidence is currently insufficient to determine the role of this variant in disease. Therefore, it has been classified as a Variant of Uncertain Significance. Algorithms developed to predict the effect of missense changes on protein structure and function (SIFT, PolyPhen-2, Align-GVGD) all suggest that this variant is likely to be tolerated. This variant has not been reported in the literature in individuals affected with SOS1-related conditions. This variant is not present in population databases (gnomAD no frequency). This sequence change replaces glycine, which is neutral and non-polar, with aspartic acid, which is acidic and polar, at codon 273 of the SOS1 protein (p.Gly273Asp).